The following is an entry in ClinVar:

NM_001042472.3(ABHD12):c.191+4A>G

Gene: ABHD12 (abhydrolase domain containing 12, lysophospholipase; minus strand). Cytogenetic location: 20p11.21.
Variant type: single nucleotide variant.
Coding change: c.191+4A>G on transcript NM_001042472.3 (MANE Select); 4 bases into the intron after coding-DNA position 191, A replaced by G.
Molecular consequence: intron variant.
Genome position (GRCh38, 1-based): chr20:25,390,509, T>C on the plus strand (A>G on the coding strand, the complement: ABHD12 is on the minus strand). VCF-style: chr20-25390509-T-C. GRCh37 (hg19) VCF-style: chr20-25371145-T-C.
Other names: c.191+4A>G (NM_015600.5, NM_001042472.2).
Identifiers: ClinVar variation 1419242 (VCV001419242.4), dbSNP rs762913146, ClinGen allele CA9796304.

ClinVar aggregate classification (germline): Conflicting classifications of pathogenicity. Review status: criteria provided, conflicting classifications (1 of 4 stars). 2 submissions from 2 submitters: Uncertain significance (1); Likely benign (1). Last evaluated 2026-01-27.

Conditions:
ABHD12-related disorder. Also called: ABHD12-related condition.

Allele frequency attached by ClinVar (database versions not stated): ExAC 0.00095.

Submissions (2):

PreventionGenetics, part of Exact Sciences
Classification: Likely benign for ABHD12-related condition. Last evaluated: 2026-01-27. Review status: criteria provided, single submitter. Criteria: ACMG Guidelines, 2015. Collection method: clinical testing. Allele origin: germline.
Comment: This variant is classified as likely benign based on ACMG/AMP sequence variant interpretation guidelines (Richards et al. 2015 PMID: 25741868, with internal and published modifications).

Labcorp Genetics (formerly Invitae), Labcorp
Classification: Uncertain significance. Last evaluated: 2022-08-04. Review status: criteria provided, single submitter. Criteria: Invitae Variant Classification Sherloc (09022015). Collection method: clinical testing. Allele origin: germline.
Comment: This sequence change falls in intron 1 of the ABHD12 gene. It does not directly change the encoded amino acid sequence of the ABHD12 protein. It affects a nucleotide within the consensus splice site. The frequency data for this variant in the population databases is considered unreliable, as metrics indicate poor data quality at this position in the gnomAD database. This variant has not been reported in the literature in individuals affected with ABHD12-related conditions. ClinVar contains an entry for this variant (Variation ID: 1419242). Variants that disrupt the consensus splice site are a relatively common cause of aberrant splicing (PMID: 17576681, 9536098). Algorithms developed to predict the effect of sequence changes on RNA splicing suggest that this variant is not likely to affect RNA splicing. In summary, the available evidence is currently insufficient to determine the role of this variant in disease. Therefore, it has been classified as a Variant of Uncertain Significance.

Literature cited by the submitters: PubMed 17576681 (cited by Labcorp Genetics (formerly Invitae), Labcorp); PubMed 9536098 (cited by Labcorp Genetics (formerly Invitae), Labcorp).